The following is an entry in ClinVar:

NM_006892.4(DNMT3B):c.2162T>C (p.Ile721Thr)

Gene: DNMT3B (DNA methyltransferase 3 beta; plus strand). Cytogenetic location: 20q11.21.
Variant type: single nucleotide variant.
Coding change: c.2162T>C on transcript NM_006892.4 (MANE Select); coding-DNA position 2162, T replaced by C.
Protein change: p.Ile721Thr; replaces isoleucine 721 with threonine.
Molecular consequence: missense variant.
Genome position (GRCh38, 1-based): chr20:32,802,401, T>C. VCF-style: chr20-32802401-T-C. GRCh37 (hg19) VCF-style: chr20-31390207-T-C.
Other names: c.1976T>C, p.Ile659Thr (NM_001207055.2, NM_001424354.1, NM_001424357.1); c.1874T>C, p.Ile625Thr (NM_001207056.2); c.2162T>C, p.Ile721Thr (NM_001424351.1, NM_001424355.1); c.2036T>C, p.Ile679Thr (NM_001424352.1, NM_001424356.1, NM_001424358.1); c.2102T>C, p.Ile701Thr (NM_001424353.1, NM_175848.2, NM_175849.2); c.2138T>C, p.Ile713Thr (NM_001424359.1, NM_175850.3); c.2012T>C, p.Ile671Thr (NM_001424360.1); short protein forms I625T, I659T, I671T, I679T, I701T, I713T, I721T.
Identifiers: ClinVar variation 3336375 (VCV003336375.2).
Genomic context (GRCh38, chr20:32,802,401, plus strand): 5'-CTCTAATAATAGGCTCCTAACAGTAACCTTCTTTCTCCCCACAGTGTAATCCAGTGATGA[T>C]TGATGCCATCAAAGTTTCTGCTGCTCACAGGGCCCGATACTTCTGGGGCAACCTACCCGG-3'
Protein context (NP_008823.1, residues 711-731): SRFLECNPVM[Ile721Thr]DAIKVSAAHR

ClinVar aggregate classification (germline): Conflicting classifications of pathogenicity. Review status: criteria provided, conflicting classifications (1 of 4 stars). 2 submissions from 2 submitters: Likely pathogenic (1); Uncertain significance (1). Last evaluated 2024-06-06.

Conditions:
Facioscapulohumeral muscular dystrophy 4, digenic. Identifiers: MedGen C5561960, MONDO:0030355, OMIM 619478.
Immunodeficiency-centromeric instability-facial anomalies syndrome 1 (ICF1). Identifiers: Orphanet 2268, MedGen C4551557, MONDO:0009454, OMIM 242860.

Submissions (2):

Fulgent Genetics
Classification: Likely pathogenic for Immunodeficiency-centromeric instability-facial anomalies syndrome 1; Facioscapulohumeral muscular dystrophy 4, digenic. Last evaluated: 2024-06-06. Review status: criteria provided, single submitter. Criteria: ACMG Guidelines, 2015. Collection method: clinical testing. Allele origin: germline.

Women's Health and Genetics/Laboratory Corporation of America, LabCorp
Classification: Uncertain significance. Last evaluated: 2024-05-31. Review status: criteria provided, single submitter. Criteria: LabCorp Variant Classification Summary - May 2015. Collection method: clinical testing. Allele origin: germline.
Comment: Variant summary: DNMT3B c.2162T>C (p.Ile721Thr) results in a non-conservative amino acid change in the encoded protein sequence. Five of five in-silico tools predict a damaging effect of the variant on protein function. This variant is absent in 1614194 control chromosomes in gnomAD database. c.2162T>C has been reported in the literature in compound heterozygous state with a pathogenic variant in individuals affected with clinical features of ICF Syndrome, Type 1 (Sterlin_2016, Velasco_2018, Levy_2022). These data indicate that the variant may be associated with disease. To our knowledge, no experimental evidence demonstrating an impact on protein function has been reported. The following publications have been ascertained in the context of this evaluation (PMID: 35904121, 26851945, 29659838). No submitters have cited clinical-significance assessments for this variant to ClinVar. Based on the evidence outlined above, the variant was classified as uncertain significance.

Literature cited by the submitters: PubMed 29659838 (cited by Women's Health and Genetics/Laboratory Corporation of America, LabCorp); PubMed 35904121 (cited by Women's Health and Genetics/Laboratory Corporation of America, LabCorp); PubMed 26851945 (cited by Women's Health and Genetics/Laboratory Corporation of America, LabCorp).